The following is an entry in ClinVar:

NM_018129.4(PNPO):c.236A>G (p.Asn79Ser)

Gene: PNPO (pyridoxamine 5'-phosphate oxidase; plus strand). Cytogenetic location: 17q21.32.
Variant type: single nucleotide variant.
Coding change: c.236A>G on transcript NM_018129.4 (MANE Select); coding-DNA position 236, A replaced by G.
Protein change: p.Asn79Ser; replaces asparagine 79 with serine.
Molecular consequence: missense variant.
Genome position (GRCh38, 1-based): chr17:47,943,403, A>G. VCF-style: chr17-47943403-A-G. GRCh37 (hg19) VCF-style: chr17-46020769-A-G.
Other names: short protein forms N79S.
Identifiers: ClinVar variation 1508628 (VCV001508628.7), dbSNP rs755839067, ClinGen allele CA8629123.

ClinVar aggregate classification (germline): Uncertain significance (1 of 4 stars; one submission).

Conditions:
Pyridoxal phosphate-responsive seizures (PNPOD). Also called: EPILEPTIC ENCEPHALOPATHY, NEONATAL, PNPO-RELATED; SEIZURES, PYRIDOXINE-RESISTANT, PLP-SENSITIVE; Pyridoxamine 5-Prime-Phosphate Oxidase Deficiency; Pyridoxine-5'-phosphate oxidase deficiency; Pyridoxal 5'-Phosphate (PLP)-Dependent Epilepsy. Identifiers: Orphanet 79096, MedGen C1864723, MONDO:0012407, OMIM 610090. Disease mechanism: loss of function.

Allele frequency attached by ClinVar (database versions not stated): gnomAD exomes below 0.00001 and 0.00001; TOPMed below 0.00001; ExAC 0.00001.

Submission:

Labcorp Genetics (formerly Invitae), Labcorp
Classification: Uncertain significance for Pyridoxal phosphate-responsive seizures. Last evaluated: 2025-11-03. Review status: criteria provided, single submitter. Criteria: Invitae Variant Classification Sherloc (09022015). Collection method: clinical testing. Allele origin: germline.
Comment: This sequence change replaces asparagine, which is neutral and polar, with serine, which is neutral and polar, at codon 79 of the PNPO protein (p.Asn79Ser). This variant is present in population databases (rs755839067, gnomAD 0.006%). This variant has not been reported in the literature in individuals affected with PNPO-related conditions. ClinVar contains an entry for this variant (Variation ID: 1508628). Invitae Evidence Modeling of protein sequence and biophysical properties (such as structural, functional, and spatial information, amino acid conservation, physicochemical variation, residue mobility, and thermodynamic stability) indicates that this missense variant is not expected to disrupt PNPO protein function with a negative predictive value of 80%. In summary, the available evidence is currently insufficient to determine the role of this variant in disease. Therefore, it has been classified as a Variant of Uncertain Significance.